The following is an entry in ClinVar:

ClinVar aggregate classification (germline): other (0 of 4 stars; one submission).

Conditions:
Familial colorectal cancer. Identifiers: MedGen CN280943, MONDO:0023113. Disease mechanism: loss of function.

Submission:

Systems Biology Platform Zhejiang California International NanoSystems Institute
Classification: other for Familial colorectal cancer. Review status: no assertion criteria provided. Collection method: not provided. Allele origin: unknown.
ClinVar note: Converted during submission from cancer to other.

NM_001127511.3(APC):c.166-28513G>C

Gene: APC (APC regulator of Wnt signaling pathway; plus strand). Cytogenetic location: 5q22.2.
Variant type: single nucleotide variant.
Coding change: c.166-28513G>C on transcript NM_001127511.3; 28513 bases into the intron before coding-DNA position 166, G replaced by C.
Molecular consequence: intron variant.
Genome position (GRCh38, 1-based): chr5:112,737,813, G>C. VCF-style: chr5-112737813-G-C. GRCh37 (hg19) VCF-style: chr5-112073510-G-C.
Other names: c.-18-17060G>C (NM_001407460.1, NM_001407452.1, NM_001407469.1 and 7 more transcripts); c.166-28513G>C (NM_001407446.1, NM_001354897.2, NM_001354902.2); c.-42-28513G>C (NM_001407453.1); c.-1053-17060G>C (NM_001407470.1, NM_001407472.1).
Identifiers: ClinVar variation 82735 (VCV000082735.4), dbSNP rs78037487, ClinGen allele CA023879.